The following is an entry in ClinVar:

NM_014946.4(SPAST):c.987G>A (p.Met329Ile)

Gene: SPAST (spastin; plus strand). Cytogenetic location: 2p22.3.
Variant type: single nucleotide variant.
Coding change: c.987G>A on transcript NM_014946.4 (MANE Select); coding-DNA position 987, G replaced by A.
Protein change: p.Met329Ile; replaces methionine 329 with isoleucine.
Molecular consequence: missense variant.
Genome position (GRCh38, 1-based): chr2:32,115,818, G>A. VCF-style: chr2-32115818-G-A. GRCh37 (hg19) VCF-style: chr2-32340887-G-A.
Other names: c.984G>A, p.Met328Ile (NM_001363823.2); c.888G>A, p.Met296Ile (NM_001363875.2); c.891G>A, p.Met297Ile (NM_001377959.1, NM_199436.2); short protein forms M329I, M297I, M296I, M328I.
Identifiers: ClinVar variation 536447 (VCV000536447.8), dbSNP rs1553315231, ClinGen allele CA346499333.

ClinVar aggregate classification (germline): Uncertain significance (1 of 4 stars; one submission).

Conditions:
Hereditary spastic paraplegia 4. Also called: Spastic Paraplegia 4; Familial spastic paraplegia autosomal dominant 2; Spastic paraplegia 4, autosomal dominant. Identifiers: Orphanet 100985, MedGen C1866855, MONDO:0008438, OMIM 182601.

Submission:

Labcorp Genetics (formerly Invitae), Labcorp
Classification: Uncertain significance for Hereditary spastic paraplegia 4. Last evaluated: 2020-02-12. Review status: criteria provided, single submitter. Criteria: Invitae Variant Classification Sherloc (09022015). Collection method: clinical testing. Allele origin: germline.
Comment: This variant has not been reported in the literature in individuals with SPAST-related disease. Algorithms developed to predict the effect of missense changes on protein structure and function (SIFT, PolyPhen-2, Align-GVGD) all suggest that this variant is likely to be tolerated, but these predictions have not been confirmed by published functional studies and their clinical significance is uncertain. In summary, the available evidence is currently insufficient to determine the role of this variant in disease. Therefore, it has been classified as a Variant of Uncertain Significance. This variant is not present in population databases (ExAC no frequency). This sequence change replaces methionine with isoleucine at codon 329 of the SPAST protein (p.Met329Ile). The methionine residue is weakly conserved and there is a small physicochemical difference between methionine and isoleucine.